The following is an entry in ClinVar:

ClinVar aggregate classification (germline): Conflicting classifications of pathogenicity. Review status: criteria provided, conflicting classifications (1 of 4 stars). 3 submissions from 3 submitters: Uncertain significance (1); Likely benign (1). 1 of the submissions does not count toward it. Last evaluated 2024-01-02.

Conditions:
Cardiovascular phenotype. Identifiers: MedGen CN230736.
Walker-Warburg congenital muscular dystrophy. Also called: Muscular dystrophy-dystroglycanopathy, type A; Walker-Warburg syndrome. Identifiers: Orphanet 899, MedGen C0265221, MONDO:0000171.

Allele frequency attached by ClinVar (database versions not stated): gnomAD 0.00002; gnomAD exomes 0.00003 and 0.00006; TOPMed 0.00003; ExAC 0.00005.
gnomAD v4.1: 99 of 1,598,794 alleles (0.0062%); highest among the groups gnomAD compares: Non-Finnish European, 0.0075%; no homozygotes.

Submissions (3):

Ambry Genetics
Classification: Likely benign for Cardiovascular phenotype. Last evaluated: 2024-01-02. Review status: criteria provided, single submitter. Criteria: Ambry Variant Classification Scheme 2023. Collection method: clinical testing. Allele origin: germline.

Labcorp Genetics (formerly Invitae), Labcorp
Classification: Uncertain significance for Walker-Warburg congenital muscular dystrophy. Last evaluated: 2022-10-18. Review status: criteria provided, single submitter. Criteria: Invitae Variant Classification Sherloc (09022015). Collection method: clinical testing. Allele origin: germline.
Comment: This sequence change replaces asparagine, which is neutral and polar, with serine, which is neutral and polar, at codon 5 of the FKTN protein (p.Asn5Ser). This variant is present in population databases (rs751473818, gnomAD 0.005%). This variant has not been reported in the literature in individuals affected with FKTN-related conditions. ClinVar contains an entry for this variant (Variation ID: 567644). Advanced modeling of protein sequence and biophysical properties (such as structural, functional, and spatial information, amino acid conservation, physicochemical variation, residue mobility, and thermodynamic stability) performed at Invitae indicates that this missense variant is not expected to disrupt FKTN protein function. In summary, the available evidence is currently insufficient to determine the role of this variant in disease. Therefore, it has been classified as a Variant of Uncertain Significance.

Natera, Inc.
Classification: Uncertain significance for Walker-Warburg congenital muscular dystrophy. Last evaluated: 2019-10-28. Review status: no assertion criteria provided. Collection method: clinical testing. Allele origin: germline. Not counted in ClinVar's aggregate classification.

NM_001079802.2(FKTN):c.14A>G (p.Asn5Ser)

Gene: FKTN (fukutin; plus strand). Cytogenetic location: 9q31.2.
Variant type: single nucleotide variant.
Coding change: c.14A>G on transcript NM_001079802.2 (MANE Select); coding-DNA position 14, A replaced by G.
Protein change: p.Asn5Ser; replaces asparagine 5 with serine.
Molecular consequence: missense variant. On other transcripts: 5 prime UTR variant (5), non-coding transcript variant (2).
Genome position (GRCh38, 1-based): chr9:105,575,046, A>G. VCF-style: chr9-105575046-A-G. GRCh37 (hg19) VCF-style: chr9-108337327-A-G.
Other names: c.14A>G, p.Asn5Ser (NM_001198963.2, NM_001351496.2, NM_001351498.2 and 1 more transcripts); c.-154A>G (NM_001351497.2); c.-501A>G (NM_001351499.2, NM_001351500.2, NM_001351501.2 and 1 more transcripts); short protein forms N5S.
Identifiers: ClinVar variation 567644 (VCV000567644.9), dbSNP rs751473818, ClinGen allele CA5170284.